The following is an entry in ClinVar:

NM_000059.4(BRCA2):c.2942A>C (p.Lys981Thr)

Gene: BRCA2 (BRCA2 DNA repair associated; plus strand). Cytogenetic location: 13q13.1.
Variant type: single nucleotide variant.
Coding change: c.2942A>C on transcript NM_000059.4 (MANE Select); coding-DNA position 2942, A replaced by C.
Protein change: p.Lys981Thr; replaces lysine 981 with threonine.
Molecular consequence: missense variant.
Genome position (GRCh38, 1-based): chr13:32,337,297, A>C. VCF-style: chr13-32337297-A-C. GRCh37 (hg19) VCF-style: chr13-32911434-A-C.
Other names: short protein forms K981T.
Identifiers: ClinVar variation 438966 (VCV000438966.12), dbSNP rs398122757, ClinGen allele CA387774324.

ClinVar aggregate classification (germline): Conflicting classifications of pathogenicity. Review status: criteria provided, conflicting classifications (1 of 4 stars). 4 submissions from 4 submitters: Uncertain significance (3); Likely benign (1). Last evaluated 2026-05-08.

Conditions:
Hereditary breast ovarian cancer syndrome. Also called: BRCA1- and BRCA2-Associated Hereditary Breast and Ovarian Cancer; Hereditary breast and ovarian cancer syndrome; Hereditary breast and ovarian cancer; Hereditary breast and ovarian cancer syndrome (HBOC); Hereditary breast and/or ovarian cancer syndrome; Breast and ovarian cancer. Identifiers: Orphanet 145, MedGen C0677776, MeSH D061325, MONDO:0003582. Disease mechanism: loss of function.
Hereditary cancer-predisposing syndrome. Also called: Neoplastic Syndromes, Hereditary; Hereditary neoplastic syndrome; Hereditary Cancer Syndrome; Tumor predisposition. Identifiers: Orphanet 140162, MedGen C0027672, MeSH D009386, MONDO:0015356.

Submissions (4):

Women's Health and Genetics/Laboratory Corporation of America, LabCorp
Classification: Uncertain significance. Last evaluated: 2026-05-08. Review status: criteria provided, single submitter. Criteria: LabCorp Variant Classification Summary - May 2015. Collection method: clinical testing. Allele origin: germline.

University of Washington Department of Laboratory Medicine, University of Washington
Classification: Likely benign for Hereditary cancer-predisposing syndrome. Last evaluated: 2023-03-23. Review status: criteria provided, single submitter. Criteria: Dines et al. (Genet Med. 2020). Collection method: curation. Allele origin: germline.
Comment: Missense variant in a coldspot region where missense variants are very unlikely to be pathogenic (PMID:31911673).

BRCA2 exon 11 coldspot. Reclassification based on statistical prior probability.

Labcorp Genetics (formerly Invitae), Labcorp
Classification: Uncertain significance for Hereditary breast ovarian cancer syndrome. Last evaluated: 2021-07-18. Review status: criteria provided, single submitter. Criteria: Invitae Variant Classification Sherloc (09022015). Collection method: clinical testing. Allele origin: germline.
Comment: Advanced modeling of protein sequence and biophysical properties (such as structural, functional, and spatial information, amino acid conservation, physicochemical variation, residue mobility, and thermodynamic stability) performed at Invitae indicates that this missense variant is not expected to disrupt BRCA2 protein function. This sequence change replaces lysine with threonine at codon 981 of the BRCA2 protein (p.Lys981Thr). The lysine residue is weakly conserved and there is a moderate physicochemical difference between lysine and threonine. This variant is not present in population databases (ExAC no frequency). This variant has not been reported in the literature in individuals affected with BRCA2-related conditions. ClinVar contains an entry for this variant (Variation ID: 438966). In summary, the available evidence is currently insufficient to determine the role of this variant in disease. Therefore, it has been classified as a Variant of Uncertain Significance.

Quest Diagnostics Nichols Institute San Juan Capistrano
Classification: Uncertain significance. Last evaluated: 2016-08-23. Review status: criteria provided, single submitter. Criteria: Quest Diagnostics criteria. Collection method: clinical testing. Allele origin: germline.